The following is an entry in ClinVar:

ClinVar aggregate classification (germline): Pathogenic. Review status: criteria provided, multiple submitters, no conflicts (2 of 4 stars). 2 submissions from 2 submitters: Pathogenic (2). Last evaluated 2024-06-11.

Conditions:
Glycogen storage disease type III (GSD3). Also called: FORBES DISEASE; Cori disease. Identifiers: Orphanet 366, MedGen C0017922, MONDO:0009291, OMIM 232400.

Submissions (2):

Labcorp Genetics (formerly Invitae), Labcorp
Classification: Pathogenic for Glycogen storage disease type III. Last evaluated: 2024-06-11. Review status: criteria provided, single submitter. Criteria: Invitae Variant Classification Sherloc (09022015). Collection method: clinical testing. Allele origin: germline.
Comment: This sequence change creates a premature translational stop signal (p.Gln695*) in the AGL gene. It is expected to result in an absent or disrupted protein product. Loss-of-function variants in AGL are known to be pathogenic (PMID: 19299494). This variant is not present in population databases (gnomAD no frequency). This variant has not been reported in the literature in individuals affected with AGL-related conditions. ClinVar contains an entry for this variant (Variation ID: 801524). Algorithms developed to predict the effect of sequence changes on RNA splicing suggest that this variant may disrupt the consensus splice site. For these reasons, this variant has been classified as Pathogenic.

Mendelics
Classification: Pathogenic for Glycogen storage disease type III. Last evaluated: 2019-05-28. Review status: criteria provided, single submitter. Criteria: Mendelics Assertion Criteria 2017. Collection method: clinical testing. Allele origin: unknown.

Literature cited by the submitters: PubMed 19299494 (cited by Labcorp Genetics (formerly Invitae), Labcorp).

NM_000642.3(AGL):c.2083C>T (p.Gln695Ter)

Gene: AGL (amylo-alpha-1,6-glucosidase and 4-alpha-glucanotransferase; plus strand). Cytogenetic location: 1p21.2.
Variant type: single nucleotide variant.
Coding change: c.2083C>T on transcript NM_000642.3 (MANE Select); coding-DNA position 2083, C replaced by T.
Protein change: p.Gln695Ter; replaces glutamine 695 with a stop codon.
Molecular consequence: nonsense.
Genome position (GRCh38, 1-based): chr1:99,881,373, C>T. VCF-style: chr1-99881373-C-T. GRCh37 (hg19) VCF-style: chr1-100346929-C-T.
Other names: c.2083C>T, p.Gln695Ter (NM_000028.3, NM_000643.3, NM_000644.3 and 2 more transcripts); c.2035C>T, p.Gln679Ter (NM_000646.3); c.1882C>T, p.Gln628Ter (NM_001425327.1); c.1879C>T, p.Gln627Ter (NM_001425328.1, NM_001425329.1); c.1705C>T, p.Gln569Ter (NM_001425332.1); short protein forms Q679*, Q695*, Q569*, Q627*, Q628*.
Identifiers: ClinVar variation 801524 (VCV000801524.3), dbSNP rs1570445130, ClinGen allele CA341318999.